The following is an entry in ClinVar:

NM_000090.4(COL3A1):c.334-3T>C

Gene: COL3A1 (collagen type III alpha 1 chain; plus strand). Cytogenetic location: 2q32.2.
Variant type: single nucleotide variant.
Coding change: c.334-3T>C on transcript NM_000090.4 (MANE Select); 3 bases into the intron before coding-DNA position 334, T replaced by C.
Molecular consequence: intron variant.
Genome position (GRCh38, 1-based): chr2:188,985,662, T>C. VCF-style: chr2-188985662-T-C. GRCh37 (hg19) VCF-style: chr2-189850388-T-C.
Identifiers: ClinVar variation 1052332 (VCV001052332.7), dbSNP rs2153501467, ClinGen allele CA2499215526.
Genomic context (GRCh38, chr2:188,985,662, plus strand): 5'-CTGATAATGATTGTGAATCACCAGGATTTTTCACTATTTAATTTATTTTTATCTCTTTTT[T>C]AGGGCCCTCCTGGTATTCCTGGGAGAAATGGTGACCCTGGTATTCCAGGACAACCAGGGT-3'

ClinVar aggregate classification (germline): Conflicting classifications of pathogenicity. Review status: criteria provided, conflicting classifications (1 of 4 stars). 2 submissions from 2 submitters: Uncertain significance (1); Likely benign (1). Last evaluated 2025-07-17.

Conditions:
Familial thoracic aortic aneurysm and aortic dissection (TAAD). Also called: Thoracic aortic aneurysms and dissections. Identifiers: Orphanet 91387, MedGen C4707243, MONDO:0019625.
Ehlers-Danlos syndrome, type 4 (EDSVASC). Also called: Ehlers-Danlos syndrome vascular type; Ehlers Danlos syndrome, ecchymotic type; Ehlers Danlos syndrome, arterial type; Ehlers Danlos syndrome, Sack-Barabas type; Ehlers-Danlos Syndrome Type IV. Identifiers: Orphanet 286, MedGen C0268338, MONDO:0017314, OMIM 130050.

Submissions (2):

Color Diagnostics, LLC DBA Color Health
Classification: Likely benign for Familial thoracic aortic aneurysm and aortic dissection. Last evaluated: 2025-07-17. Review status: criteria provided, single submitter. Criteria: ACMG Guidelines, 2015. Collection method: clinical testing. Allele origin: germline.

Labcorp Genetics (formerly Invitae), Labcorp
Classification: Uncertain significance for Ehlers-Danlos syndrome, type 4. Last evaluated: 2021-09-01. Review status: criteria provided, single submitter. Criteria: Invitae Variant Classification Sherloc (09022015). Collection method: clinical testing. Allele origin: germline.
Comment: This sequence change falls in intron 3 of the COL3A1 gene. It does not directly change the encoded amino acid sequence of the COL3A1 protein. It affects a nucleotide within the consensus splice site of the intron. This variant is not present in population databases (ExAC no frequency). This variant has not been reported in the literature in individuals affected with COL3A1-related conditions. Variants that disrupt the consensus splice site are a relatively common cause of aberrant splicing (PMID: 17576681, 9536098). Algorithms developed to predict the effect of sequence changes on RNA splicing suggest that this variant is not likely to affect RNA splicing. In summary, the available evidence is currently insufficient to determine the role of this variant in disease. Therefore, it has been classified as a Variant of Uncertain Significance.

Literature cited by the submitters: PubMed 17576681 (cited by Labcorp Genetics (formerly Invitae), Labcorp); PubMed 9536098 (cited by Labcorp Genetics (formerly Invitae), Labcorp).